The following is an entry in ClinVar:

NM_005802.5(TOPORS):c.4-2_4-1del

Gene: TOPORS (TOP1 binding arginine/serine rich protein, E3 ubiquitin ligase; minus strand). Cytogenetic location: 9p21.1.
Variant type: Deletion.
Coding change: c.4-2_4-1del on transcript NM_005802.5 (MANE Select); the canonical splice acceptor site of the intron before coding-DNA position 4, 2 bases deleted (AG; older notation c.4-2_4-1delAG).
Molecular consequence: splice acceptor variant. On other transcripts: intron variant (1).
Genome position (GRCh38, 1-based): chr9:32,550,969-32,550,970, CT deleted on the plus strand (AG on the coding strand, the reverse complement: TOPORS is on the minus strand). VCF-style (leftmost placement, unchanged base first): chr9-32550968-CCT-C. GRCh37 (hg19) VCF-style: chr9-32550966-CCT-C.
Other names: c.3+1464_3+1465del (NM_001195622.2).
Identifiers: ClinVar variation 1940148 (VCV001940148.4), dbSNP rs773824879, ClinGen allele CA5020753.

ClinVar aggregate classification (germline): Uncertain significance. Review status: criteria provided, multiple submitters, no conflicts (2 of 4 stars). 2 submissions from 2 submitters: Uncertain significance (2). Last evaluated 2024-09-11.

Allele frequency attached by ClinVar (database versions not stated): ExAC 0.00001; gnomAD 0.00002; TOPMed 0.00002; gnomAD exomes 0.00004; ESP Exome Variant Server 0.00008.

Submissions (2):

Blueprint Genetics
Classification: Uncertain significance. Last evaluated: 2024-09-11. Review status: criteria provided, single submitter. Criteria: ACMG Guidelines, 2015. Collection method: clinical testing. Allele origin: germline.

Labcorp Genetics (formerly Invitae), Labcorp
Classification: Uncertain significance. Last evaluated: 2024-02-24. Review status: criteria provided, single submitter. Criteria: Invitae Variant Classification Sherloc (09022015). Collection method: clinical testing. Allele origin: germline.
Comment: This sequence change affects an acceptor splice site in intron 1 of the TOPORS gene. It is expected to disrupt RNA splicing. Variants that disrupt the donor or acceptor splice site typically lead to a loss of protein function (PMID: 16199547), however the current clinical and genetic evidence is not sufficient to establish whether loss-of-function variants in TOPORS cause disease. This variant is present in population databases (rs773824879, gnomAD 0.003%). This variant has not been reported in the literature in individuals affected with TOPORS-related conditions. ClinVar contains an entry for this variant (Variation ID: 1940148). Algorithms developed to predict the effect of sequence changes on RNA splicing suggest that this variant may disrupt the consensus splice site. In summary, the available evidence is currently insufficient to determine the role of this variant in disease. Therefore, it has been classified as a Variant of Uncertain Significance.

Literature cited by the submitters: PubMed 16199547 (cited by Labcorp Genetics (formerly Invitae), Labcorp).